The following is an entry in ClinVar:

ClinVar aggregate classification (germline): Likely benign. Review status: criteria provided, single submitter (1 of 4 stars). 2 submissions from 2 submitters: Likely benign (1). 1 of the submissions does not count toward it. Last evaluated 2023-08-28.

Conditions:
INS-related disorder. Also called: INS-related condition.

Allele frequency attached by ClinVar (database versions not stated): ExAC 0.00003; gnomAD 0.00003; TOPMed 0.00003.
gnomAD v4.1: 35 of 1,550,510 alleles (0.0023%); highest among the groups gnomAD compares: Non-Finnish European, 0.0028%; no homozygotes.

Submissions (2):

Blueprint Genetics
Classification: Likely benign. Last evaluated: 2023-08-28. Review status: criteria provided, single submitter. Criteria: ACMG Guidelines, 2015. Collection method: clinical testing. Allele origin: germline.

PreventionGenetics, part of Exact Sciences
Classification: Likely benign for INS-related condition. Last evaluated: 2021-08-24. Review status: no assertion criteria provided. Collection method: clinical testing. Allele origin: germline. Not counted in ClinVar's aggregate classification.
Comment: This variant is classified as likely benign based on ACMG/AMP sequence variant interpretation guidelines (Richards et al. 2015 PMID: 25741868, with internal and published modifications).

NM_000207.3(INS):c.188-40C>T

Genes: INS (insulin; minus strand), INS-IGF2 (INS-IGF2 readthrough; minus strand). Cytogenetic location: 11p15.5.
Variant type: single nucleotide variant.
Coding change: c.188-40C>T on transcript NM_000207.3 (MANE Select); 40 bases into the intron before coding-DNA position 188, C replaced by T.
Molecular consequence: intron variant.
Genome position (GRCh38, 1-based): chr11:2,160,037, G>A on the plus strand (C>T on the coding strand, the complement: INS is on the minus strand). VCF-style: chr11-2160037-G-A. GRCh37 (hg19) VCF-style: chr11-2181267-G-A.
Other names: c.187+748C>T (NM_001042376.3); c.188-40C>T (NM_001185097.2, NM_001291897.2, NM_001185098.2).
Identifiers: ClinVar variation 3054992 (VCV003054992.3), dbSNP rs545716462, ClinGen allele CA5818156.